The following is an entry in ClinVar:

NM_133433.4(NIPBL):c.2633G>A (p.Arg878Lys)

Gene: NIPBL (NIPBL cohesin loading factor; plus strand). Cytogenetic location: 5p13.2.
Variant type: single nucleotide variant.
Coding change: c.2633G>A on transcript NM_133433.4 (MANE Select); coding-DNA position 2633, G replaced by A.
Protein change: p.Arg878Lys; replaces arginine 878 with lysine.
Molecular consequence: missense variant.
Genome position (GRCh38, 1-based): chr5:36,985,813, G>A. VCF-style: chr5-36985813-G-A. GRCh37 (hg19) VCF-style: chr5-36985915-G-A.
Other names: c.2633G>A, p.Arg878Lys (NM_001438586.1, NM_015384.5); c.2633G>A (NM_133433.3); short protein forms R878K.
Identifiers: ClinVar variation 4797125 (VCV004797125.2).
Genomic context (GRCh38, chr5:36,985,813, plus strand): 5'-CTGATAGTTCAAAAACTGATAAACTAGAACGAAAACACAGGCATGAATCAGGGGACTCAA[G>A]GGAAAGACCATCTTCTGGGGAACAAAAATCAAGACCTGACAGTCCTCGTGTTAAACAAGG-3'
Protein context (NP_597677.2, residues 868-888): RKHRHESGDS[Arg878Lys]ERPSSGEQKS

ClinVar aggregate classification (germline): Uncertain significance. Review status: criteria provided, multiple submitters, no conflicts (2 of 4 stars). 2 submissions from 2 submitters: Uncertain significance (2). Last evaluated 2025-02-12.

Conditions:
Cornelia de Lange syndrome 1 (CDLS1). Also called: Brachmann de Lange syndrome; NIPBL-Related Cornelia de Lange Syndrome; TYPUS DEGENERATIVUS AMSTELODAMENSIS. Identifiers: Orphanet 199, MedGen C4551851, MONDO:0007387, OMIM 122470.
NIPBL-related disorder. Also called: NIPBL-related condition.

gnomAD v4.1: 7 of 1,613,752 alleles (0.00043%); highest among the groups gnomAD compares: Non-Finnish European, 0.00059%; no homozygotes.

Submissions (2):

Labcorp Genetics (formerly Invitae), Labcorp
Classification: Uncertain significance for Cornelia de Lange syndrome 1. Last evaluated: 2025-02-12. Review status: criteria provided, single submitter. Criteria: Invitae Variant Classification Sherloc (09022015). Collection method: clinical testing. Allele origin: germline.
Comment: This sequence change replaces arginine, which is basic and polar, with lysine, which is basic and polar, at codon 878 of the NIPBL protein (p.Arg878Lys). This variant is not present in population databases (gnomAD no frequency). This variant has not been reported in the literature in individuals affected with NIPBL-related conditions. Invitae Evidence Modeling of protein sequence and biophysical properties (such as structural, functional, and spatial information, amino acid conservation, physicochemical variation, residue mobility, and thermodynamic stability) indicates that this missense variant is not expected to disrupt NIPBL protein function with a negative predictive value of 95%. In summary, the available evidence is currently insufficient to determine the role of this variant in disease. Therefore, it has been classified as a Variant of Uncertain Significance.

PreventionGenetics, part of Exact Sciences
Classification: Uncertain significance for NIPBL-related condition. Last evaluated: 2024-11-25. Review status: criteria provided, single submitter. Criteria: ACMG Guidelines, 2015. Collection method: clinical testing. Allele origin: germline.
Comment: The NIPBL c.2633G>A variant is predicted to result in the amino acid substitution p.Arg878Lys. To our knowledge, this variant has not been reported in the literature. This variant is reported in 0.00088% of alleles in individuals of European (non-Finnish) descent in gnomAD. At this time, the clinical significance of this variant is uncertain due to the absence of conclusive functional and genetic evidence.